The following is an entry in ClinVar:

ClinVar aggregate classification (germline): Pathogenic (1 of 4 stars; one submission).

Conditions:
Oligodontia-cancer predisposition syndrome. Also called: TOOTH AGENESIS-COLORECTAL CANCER SYNDROME. Identifiers: Orphanet 300576, MedGen C1837750, MONDO:0012075, OMIM 608615. Disease mechanism: loss of function.

Submission:

Labcorp Genetics (formerly Invitae), Labcorp
Classification: Pathogenic for Oligodontia-cancer predisposition syndrome. Last evaluated: 2017-08-27. Review status: criteria provided, single submitter. Criteria: Invitae Variant Classification Sherloc (09022015). Collection method: clinical testing. Allele origin: germline.
Comment: For these reasons, this variant has been classified as Pathogenic. Loss-of-function variants in AXIN2 are known to be pathogenic (PMID: 15042511, 21416598). This variant has not been reported in the literature in individuals with AXIN2-related disease. This variant is not present in population databases (ExAC no frequency). This sequence change creates a premature translational stop signal (p.Tyr549Phefs*140) in the AXIN2 gene. It is expected to result in an absent or disrupted protein product.

Literature cited by the submitters: PubMed 15042511; PubMed 21416598.

NM_004655.4(AXIN2):c.1646del (p.Tyr549fs)

Gene: AXIN2 (axin 2; minus strand). Cytogenetic location: 17q24.1.
Variant type: Deletion.
Coding change: c.1646del on transcript NM_004655.4 (MANE Select); coding-DNA position 1646, one base deleted (A; older notation c.1646delA).
Protein change: p.Tyr549fs; shifts the reading frame from tyrosine 549.
Molecular consequence: frameshift variant.
Genome position (GRCh38, 1-based): chr17:65,537,390, T deleted on the plus strand (A on the coding strand, the reverse complement: AXIN2 is on the minus strand). VCF-style (leftmost placement, unchanged base first): chr17-65537389-AT-A. GRCh37 (hg19) VCF-style: chr17-63533507-AT-A.
Other names: c.1646del (LRG_296t1); c.1646del, p.Tyr549fs (NM_001363813.1); short protein forms Y549fs.
Identifiers: ClinVar variation 533177 (VCV000533177.6), dbSNP rs1555577613, ClinGen allele CA658798956.